The following is an entry in ClinVar:

ClinVar aggregate classification (germline): Uncertain significance (1 of 4 stars; one submission).

Submission:

Labcorp Genetics (formerly Invitae), Labcorp
Classification: Uncertain significance. Last evaluated: 2022-08-08. Review status: criteria provided, single submitter. Criteria: Invitae Variant Classification Sherloc (09022015). Collection method: clinical testing. Allele origin: germline.
Comment: In summary, the available evidence is currently insufficient to determine the role of this variant in disease. Therefore, it has been classified as a Variant of Uncertain Significance. This sequence change replaces glycine, which is neutral and non-polar, with serine, which is neutral and polar, at codon 62 of the FDX2 protein (p.Gly62Ser). This variant is not present in population databases (gnomAD no frequency). This variant has not been reported in the literature in individuals affected with FDX2-related conditions. Algorithms developed to predict the effect of missense changes on protein structure and function output the following: SIFT: "Tolerated"; PolyPhen-2: "Not Available"; Align-GVGD: "Class C0". The serine amino acid residue is found in multiple mammalian species, which suggests that this missense change does not adversely affect protein function.

NM_001397406.1(FDX2):c.175G>A (p.Gly59Ser)

Genes: FDX2 (ferredoxin 2; minus strand), FDX2-ZGLP1 (FDX2-ZGLP1 readthrough (NMD candidate); minus strand), LOC130063486 (ATAC-STARR-seq lymphoblastoid silent region 10064; plus strand). Cytogenetic location: 19p13.2.
Variant type: single nucleotide variant.
Coding change: c.175G>A on transcript NM_001397406.1 (MANE Select); coding-DNA position 175, G replaced by A.
Protein change: p.Gly59Ser; replaces glycine 59 with serine.
Molecular consequence: missense variant.
Genome position (GRCh38, 1-based): chr19:10,315,730, C>T on the plus strand (G>A on the coding strand, the complement: FDX2 is on the minus strand). VCF-style: chr19-10315730-C-T. GRCh37 (hg19) VCF-style: chr19-10426406-C-T.
Other names: c.184G>A, p.Gly62Ser (NM_001031734.4); short protein forms G59S, G62S.
Identifiers: ClinVar variation 1714360 (VCV001714360.6), dbSNP rs2040376288, ClinGen allele CA403979170.